The following is an entry in ClinVar:

ClinVar aggregate classification (germline): Uncertain significance (1 of 4 stars; one submission).

Submission:

CeGaT Center for Human Genetics Tuebingen
Classification: Uncertain significance. Last evaluated: 2023-11-01. Review status: criteria provided, single submitter. Criteria: CeGaT Center For Human Genetics Tuebingen Variant Classification Criteria Version 2. Collection method: clinical testing. Allele origin: germline. Affected: yes. Observed: 3 variant alleles.
Comment: OFD1: PM2, PM4, BS2

NM_003611.3(OFD1):c.2600-18_2600delinsAACT

Gene: OFD1 (OFD1 centriole and centriolar satellite protein; plus strand). Cytogenetic location: Xp22.2.
Variant type: Indel.
Coding change: c.2600-18_2600delinsAACT on transcript NM_003611.3 (MANE Select); 18 bases into the intron before coding-DNA position 2600 through coding-DNA position 2600, TATTTTCTGTCCTATTAGG replaced by AACT.
Molecular consequence: splice acceptor variant.
Genome position (GRCh38, 1-based): chrX:13,767,109-13,767,127, TATTTTCTGTCCTATTAGG replaced by AACT. VCF-style: chrX-13767109-TATTTTCTGTCCTATTAGG-AACT. GRCh37 (hg19) VCF-style: chrX-13785228-TATTTTCTGTCCTATTAGG-AACT.
Other names: c.2180-18_2180delinsAACT (NM_001330210.2); c.2480-18_2480delinsAACT (NM_001330209.2).
Identifiers: ClinVar variation 1879749 (VCV001879749.29), dbSNP rs2518989896, ClinGen allele CA2580100347.